The following is an entry in ClinVar:

ClinVar aggregate classification (germline): Conflicting classifications of pathogenicity. Review status: criteria provided, conflicting classifications (1 of 4 stars). 3 submissions from 3 submitters: Uncertain significance (1); Likely benign (2). Last evaluated 2026-02-10.

Conditions:
Autosomal dominant polycystic kidney disease. Identifiers: Orphanet 730, MedGen C0085413, MONDO:0004691.
PKD2-related disorder. Also called: PKD2-related condition.
Polycystic kidney disease 2 (PKD2). Also called: POLYCYSTIC KIDNEY DISEASE, ADULT, TYPE II; Polycystic Kidney Disease 2, Autosomal Dominant; POLYCYSTIC KIDNEY DISEASE 2 WITH OR WITHOUT POLYCYSTIC LIVER DISEASE. Identifiers: MedGen C2751306, MONDO:0013131, OMIM 613095.

Allele frequency attached by ClinVar (database versions not stated): gnomAD exomes 0.00005 and 0.00007; gnomAD 0.00006 and 0.00007; ESP Exome Variant Server 0.00008; TOPMed 0.00009; ExAC 0.00011.
gnomAD v4.1: 77 of 1,613,340 alleles (0.0048%); highest among the groups gnomAD compares: Admixed American, 0.012%; no homozygotes.

Submissions (3):

PreventionGenetics, part of Exact Sciences
Classification: Likely benign for PKD2-related condition. Last evaluated: 2026-02-10. Review status: criteria provided, single submitter. Criteria: ACMG Guidelines, 2015. Collection method: clinical testing. Allele origin: germline.
Comment: This variant is classified as likely benign based on ACMG/AMP sequence variant interpretation guidelines (Richards et al. 2015 PMID: 25741868, with internal and published modifications).

Labcorp Genetics (formerly Invitae), Labcorp
Classification: Likely benign for Autosomal dominant polycystic kidney disease. Last evaluated: 2025-11-18. Review status: criteria provided, single submitter. Criteria: Invitae Variant Classification Sherloc (09022015). Collection method: clinical testing. Allele origin: germline.

Illumina Laboratory Services, Illumina
Classification: Uncertain significance for Polycystic kidney disease 2. Last evaluated: 2018-01-13. Review status: criteria provided, single submitter. Criteria: ICSL Variant Classification Criteria 13 December 2019. Collection method: clinical testing. Allele origin: germline.

NM_000297.4(PKD2):c.2240+10A>G

Gene: PKD2 (polycystin 2, transient receptor potential cation channel; plus strand). Cytogenetic location: 4q22.1.
Variant type: single nucleotide variant.
Coding change: c.2240+10A>G on transcript NM_000297.4 (MANE Select); 10 bases into the intron after coding-DNA position 2240, A replaced by G.
Molecular consequence: intron variant.
Genome position (GRCh38, 1-based): chr4:88,065,505, A>G. VCF-style: chr4-88065505-A-G. GRCh37 (hg19) VCF-style: chr4-88986657-A-G.
Identifiers: ClinVar variation 350026 (VCV000350026.13), dbSNP rs201679112, ClinGen allele CA3004167.
Genomic context (GRCh38, chr4:88,065,505, plus strand): 5'-GCAAGGAGGAGGCAAGTTAAACTTTGACGAACTTCGACAAGATCTCAAAGGGTGAGAATC[A>G]TGCTTCCTGAGGTTCTGAAAAATTCCTGCTTCTAAAGATAAATTCCTGGTGATAAGAGTA-3'